The following is an entry in ClinVar:

NM_000426.4(LAMA2):c.4524-1G>C

Gene: LAMA2 (laminin subunit alpha 2; plus strand). Cytogenetic location: 6q22.33.
Variant type: single nucleotide variant.
Coding change: c.4524-1G>C on transcript NM_000426.4 (MANE Select); the canonical splice acceptor site of the intron before coding-DNA position 4524, G replaced by C.
Molecular consequence: splice acceptor variant.
Genome position (GRCh38, 1-based): chr6:129,353,163, G>C. VCF-style: chr6-129353163-G-C. GRCh37 (hg19) VCF-style: chr6-129674308-G-C.
Other names: c.4524-1G>C (NM_001079823.2).
Identifiers: ClinVar variation 5004697 (VCV005004697.1).
Genomic context (GRCh38, chr6:129,353,163, plus strand): 5'-CAACAATGTGGAGACATGACTTGCTATTAACCTCTTTTGCTTTGTCACTGTTTCAATTCA[G>C]GTGTGCCCCTGGCTATACTGGCAGTCCAGGCAACCCTGGAGGCTCCTGCCAAGAATGTGA-3'

ClinVar aggregate classification (germline): Likely pathogenic (1 of 4 stars; one submission).

Conditions:
LAMA2-related muscular dystrophy (LAMA2-RD). Also called: Laminin alpha 2-related dystrophy. Identifiers: MedGen C5679788, MONDO:0100228.

gnomAD v4.1: 1 of 1,612,028 alleles (0.000062%); highest among the groups gnomAD compares: Non-Finnish European, 0.000085%; no homozygotes.

Submission:

Myriad Genetics, Inc.
Classification: Likely pathogenic for LAMA2-related muscular dystrophy. Last evaluated: 2026-05-28. Review status: criteria provided, single submitter. Criteria: Myriad Autosomal Dominant, Autosomal Recessive and X-Linked Classification Criteria (2023). Collection method: clinical testing. Allele origin: unknown.
Comment: NM_000426.3(LAMA2):c.4524-1G>C is a variant in a canonical splice site classified as likely pathogenic in the context of muscular dystrophy, LAMA2-related. c.4524-1G>C has not been observed in cases with relevant disease. Relevant functional assessments of this variant are not available in the literature. c.4524-1G>C has not been observed in referenced population frequency databases. In summary, NM_000426.3(LAMA2):c.4524-1G>C is a variant in a canonical splice site in a gene where loss of function is a known mechanism of disease and is predicted to disrupt protein function. Please note: this variant was assessed in the context of healthy population screening.